The following is an entry in ClinVar:

NM_152594.3(SPRED1):c.694A>G (p.Lys232Glu)

Gene: SPRED1 (sprouty related EVH1 domain containing 1; plus strand). Cytogenetic location: 15q14.
Variant type: single nucleotide variant.
Coding change: c.694A>G on transcript NM_152594.3 (MANE Select); coding-DNA position 694, A replaced by G.
Protein change: p.Lys232Glu; replaces lysine 232 with glutamic acid.
Molecular consequence: missense variant.
Genome position (GRCh38, 1-based): chr15:38,351,023, A>G. VCF-style: chr15-38351023-A-G. GRCh37 (hg19) VCF-style: chr15-38643224-A-G.
Other names: short protein forms K232E.
Identifiers: ClinVar variation 4827640 (VCV004827640.1).
Genomic context (GRCh38, chr15:38,351,023, plus strand): 5'-AAAATTAACCATCATAGCCCTCATTGCAGTTTTTATCTGTTTCTTTTTTAGGTCCCTTTG[A>G]AATCAATCAGACATGTCAGCTTTCAAGATGAGGATGAGATTGTCAGAATAAACCCTCGAG-3'
Protein context (NP_689807.1, residues 222-242): SLKSQNRVPL[Lys232Glu]SIRHVSFQDE

ClinVar aggregate classification (germline): Uncertain significance (1 of 4 stars; one submission).

Conditions:
Cardiovascular phenotype. Identifiers: MedGen CN230736.

Submission:

Ambry Genetics
Classification: Uncertain significance for Cardiovascular phenotype. Last evaluated: 2026-03-14. Review status: criteria provided, single submitter. Criteria: Ambry Variant Classification Scheme 2023. Collection method: clinical testing. Allele origin: germline.
Comment: The p.K232E variant (also known as c.694A>G), located in coding exon 7 of the SPRED1 gene, results from an A to G substitution at nucleotide position 694. The lysine at codon 232 is replaced by glutamic acid, an amino acid with similar properties. This amino acid position is conserved. In addition, the in silico prediction for this alteration is inconclusive. Based on the available evidence, the clinical significance of this variant remains unclear.